The following is an entry in ClinVar:

NM_198578.4(LRRK2):c.569G>A (p.Arg190Lys)

Gene: LRRK2 (leucine rich repeat kinase 2; plus strand). Cytogenetic location: 12q12.
Variant type: single nucleotide variant.
Coding change: c.569G>A on transcript NM_198578.4 (MANE Select); coding-DNA position 569, G replaced by A.
Protein change: p.Arg190Lys; replaces arginine 190 with lysine.
Molecular consequence: missense variant.
Genome position (GRCh38, 1-based): chr12:40,238,101, G>A. VCF-style: chr12-40238101-G-A. GRCh37 (hg19) VCF-style: chr12-40631903-G-A.
Other names: short protein forms R190K.
Identifiers: ClinVar variation 2447250 (VCV002447250.2), dbSNP rs2499420633, ClinGen allele CA384404271.

ClinVar aggregate classification (germline): Uncertain significance (1 of 4 stars; one submission).

Conditions:
Inborn genetic diseases. Identifiers: MedGen C0950123, MeSH D030342.

Submission:

Ambry Genetics
Classification: Uncertain significance for Inborn genetic diseases. Last evaluated: 2023-01-07. Review status: criteria provided, single submitter. Criteria: Ambry Variant Classification Scheme 2023. Collection method: clinical testing. Allele origin: germline.
Comment: The p.R190K variant (also known as c.569G>A), located in coding exon 5 of the LRRK2 gene, results from a G to A substitution at nucleotide position 569. The arginine at codon 190 is replaced by lysine, an amino acid with highly similar properties. This amino acid position is conserved. In addition, this alteration is predicted to be tolerated by in silico analysis. Since supporting evidence is limited at this time, the clinical significance of this alteration remains unclear.